The following is an entry in ClinVar:

ClinVar aggregate classification (germline): Pathogenic. Review status: criteria provided, single submitter (1 of 4 stars). 2 submissions from 2 submitters: Pathogenic (1). 1 of the submissions does not count toward it. Last evaluated 2021-03-07.

Conditions:
Alstrom syndrome (ALMS). Identifiers: Orphanet 64, MedGen C0268425, MONDO:0008763, OMIM 203800.

Submissions (2):

Labcorp Genetics (formerly Invitae), Labcorp
Classification: Pathogenic for Alstrom syndrome. Last evaluated: 2021-03-07. Review status: criteria provided, single submitter. Criteria: Invitae Variant Classification Sherloc (09022015). Collection method: clinical testing. Allele origin: germline.
Comment: This variant has not been reported in the literature in individuals with ALMS1-related conditions. ClinVar contains an entry for this variant (Variation ID: 554397). This variant is not present in population databases (ExAC no frequency). This sequence change creates a premature translational stop signal (p.Lys1994Argfs*13) in the ALMS1 gene. It is expected to result in an absent or disrupted protein product. Loss-of-function variants in ALMS1 are known to be pathogenic (PMID: 17594715). For these reasons, this variant has been classified as Pathogenic.

Counsyl
Classification: Likely pathogenic for Alstrom syndrome. Last evaluated: 2017-10-17. Review status: no assertion criteria provided. Collection method: clinical testing. Allele origin: unknown. Not counted in ClinVar's aggregate classification.

Literature cited by the submitters: PubMed 17594715 (cited by Labcorp Genetics (formerly Invitae), Labcorp).

NM_001378454.1(ALMS1):c.5978_5979del (p.Lys1993fs)

Gene: ALMS1 (ALMS1 centrosome and basal body associated protein; plus strand). Cytogenetic location: 2p13.1.
Variant type: Deletion.
Coding change: c.5978_5979del on transcript NM_001378454.1 (MANE Select); coding-DNA positions 5978 to 5979, 2 bases deleted (AA; older notation c.5978_5979delAA).
Protein change: p.Lys1993fs; shifts the reading frame from lysine 1993.
Molecular consequence: frameshift variant.
Genome position (GRCh38, 1-based): chr2:73,452,505-73,452,506, AA deleted; deleting any 2 consecutive bases within chr2:73,452,504-73,452,506 gives the same sequence; the c. name uses the placement nearest the transcript's 3' end. VCF-style (leftmost placement, unchanged base first): chr2-73452503-TAA-T. GRCh37 (hg19) VCF-style: chr2-73679630-TAA-T.
Other names: c.5981_5982del, p.Lys1994fs (NM_015120.4); c.5981_5982delAA (NM_015120.4); short protein forms K1994fs, K1993fs.
Identifiers: ClinVar variation 554397 (VCV000554397.7), dbSNP rs1553404180, ClinGen allele CA658822888.